The following is an entry in ClinVar:

NM_006949.4(STXBP2):c.1531G>A (p.Ala511Thr)

Gene: STXBP2 (syntaxin binding protein 2; plus strand). Cytogenetic location: 19p13.2.
Variant type: single nucleotide variant.
Coding change: c.1531G>A on transcript NM_006949.4 (MANE Select); coding-DNA position 1531, G replaced by A.
Protein change: p.Ala511Thr; replaces alanine 511 with threonine.
Molecular consequence: missense variant. On other transcripts: non-coding transcript variant (1).
Genome position (GRCh38, 1-based): chr19:7,647,240, G>A. VCF-style: chr19-7647240-G-A. GRCh37 (hg19) VCF-style: chr19-7712126-G-A.
Other names: c.1522G>A, p.Ala508Thr (NM_001127396.3); c.1564G>A, p.Ala522Thr (NM_001272034.2); short protein forms A508T, A511T, A522T.
Identifiers: ClinVar variation 1056501 (VCV001056501.5), dbSNP rs138581300, ClinGen allele CA9144221.
Genomic context (GRCh38, chr19:7,647,240, plus strand): 5'-CTGGACAGGAACCTGTGGCCCTTCGTATCCGACCCCGCCCCCACGGCCAGCTCCCAGGCC[G>A]CTGTCAGGTGAGGCCCCGGGGCCGCCCCCGCCCACGCCTGGGTCTGTGTTAGGTGGGCGG-3'
Protein context (NP_008880.2, residues 501-521): DPAPTASSQA[Ala511Thr]VSARFGHWHK

ClinVar aggregate classification (germline): Uncertain significance (1 of 4 stars; one submission).

Conditions:
Familial hemophagocytic lymphohistiocytosis 5. Also called: STXBP2-Related Familial Hemophagocytic Lymphohistiocytosis (STXBP2-fHLH). Identifiers: Orphanet 540, MedGen C2751293, MONDO:0013135, OMIM 613101.

Allele frequency attached by ClinVar (database versions not stated): gnomAD exomes 0.00005 and 0.00012; ExAC 0.00006; gnomAD 0.00006 and 0.00007; TOPMed 0.00006; ESP Exome Variant Server 0.00015.
gnomAD v4.1: 174 of 1,611,050 alleles (0.011%); highest among the groups gnomAD compares: Middle Eastern, 0.017%; no homozygotes.

Submission:

Labcorp Genetics (formerly Invitae), Labcorp
Classification: Uncertain significance for Familial hemophagocytic lymphohistiocytosis 5. Last evaluated: 2026-01-24. Review status: criteria provided, single submitter. Criteria: Invitae Variant Classification Sherloc (09022015). Collection method: clinical testing. Allele origin: germline.
Comment: This sequence change replaces alanine, which is neutral and non-polar, with threonine, which is neutral and polar, at codon 511 of the STXBP2 protein (p.Ala511Thr). This variant is present in population databases (rs138581300, gnomAD 0.01%). This variant has not been reported in the literature in individuals affected with STXBP2-related conditions. ClinVar contains an entry for this variant (Variation ID: 1056501). Invitae Evidence Modeling of protein sequence and biophysical properties (such as structural, functional, and spatial information, amino acid conservation, physicochemical variation, residue mobility, and thermodynamic stability) indicates that this missense variant is not expected to disrupt STXBP2 protein function with a negative predictive value of 95%. In summary, the available evidence is currently insufficient to determine the role of this variant in disease. Therefore, it has been classified as a Variant of Uncertain Significance.